The following is an entry in ClinVar:

ClinVar aggregate classification (germline): Uncertain significance (1 of 4 stars; one submission).

Conditions:
Methylmalonic acidemia with homocystinuria, type cblJ (MAHCJ). Also called: METHYLMALONIC ACIDURIA AND HOMOCYSTINURIA, cblJ TYPE. Identifiers: Orphanet 369955, MedGen C3553915, MONDO:0013925, OMIM 614857.

gnomAD v4.1: 7 of 1,613,094 alleles (0.00043%); highest among the groups gnomAD compares: African/African-American, 0.0013%; no homozygotes.

Submission:

Labcorp Genetics (formerly Invitae), Labcorp
Classification: Uncertain significance for Methylmalonic acidemia with homocystinuria, type cblJ. Last evaluated: 2025-05-18. Review status: criteria provided, single submitter. Criteria: Invitae Variant Classification Sherloc (09022015). Collection method: clinical testing. Allele origin: germline.
Comment: This sequence change replaces aspartic acid, which is acidic and polar, with asparagine, which is neutral and polar, at codon 329 of the ABCD4 protein (p.Asp329Asn). This variant is present in population databases (rs778245156, gnomAD 0.004%). This variant has not been reported in the literature in individuals affected with ABCD4-related conditions. An algorithm developed to predict the effect of missense changes on protein structure and function (PolyPhen-2) suggests that this variant is likely to be tolerated. In summary, the available evidence is currently insufficient to determine the role of this variant in disease. Therefore, it has been classified as a Variant of Uncertain Significance.

NM_005050.4(ABCD4):c.985G>A (p.Asp329Asn)

Gene: ABCD4 (ATP binding cassette subfamily D member 4; minus strand). Cytogenetic location: 14q24.3.
Variant type: single nucleotide variant.
Coding change: c.985G>A on transcript NM_005050.4 (MANE Select); coding-DNA position 985, G replaced by A.
Protein change: p.Asp329Asn; replaces aspartic acid 329 with asparagine.
Molecular consequence: missense variant. On other transcripts: non-coding transcript variant (10).
Genome position (GRCh38, 1-based): chr14:74,292,594, C>T on the plus strand (G>A on the coding strand, the complement: ABCD4 is on the minus strand). VCF-style: chr14-74292594-C-T. GRCh37 (hg19) VCF-style: chr14-74759297-C-T.
Other names: c.508G>A, p.Asp170Asn (NM_001353599.2, NM_001353600.2, NM_001353601.2 and 3 more transcripts); c.196G>A, p.Asp66Asn (NM_001353602.2, NM_001353603.2, NM_001353604.2 and 6 more transcripts); c.985G>A, p.Asp329Asn (NM_001440752.1, NM_001440753.1, NM_020325.3); c.712G>A, p.Asp238Asn (NM_001440754.1); c.859G>A, p.Asp287Asn (NM_001353591.2, NM_001353592.2); c.724G>A, p.Asp242Asn (NM_001353593.2); c.673G>A, p.Asp225Asn (NM_001353594.2); c.571G>A, p.Asp191Asn (NM_001353595.2, NM_001353596.2); and 1 more; short protein forms D174N, D66N, D238N, D170N, D191N, D225N, D242N, D287N.
Identifiers: ClinVar variation 4774018 (VCV004774018.1).